The following is an entry in ClinVar:

ClinVar aggregate classification (germline): Uncertain significance (1 of 4 stars; one submission).

Submission:

Labcorp Genetics (formerly Invitae), Labcorp
Classification: Uncertain significance. Last evaluated: 2021-05-31. Review status: criteria provided, single submitter. Criteria: Invitae Variant Classification Sherloc (09022015). Collection method: clinical testing. Allele origin: germline.
Comment: Advanced modeling of protein sequence and biophysical properties (such as structural, functional, and spatial information, amino acid conservation, physicochemical variation, residue mobility, and thermodynamic stability) performed at Invitae indicates that this missense variant is not expected to disrupt COL11A1 protein function. In summary, the available evidence is currently insufficient to determine the role of this variant in disease. Therefore, it has been classified as a Variant of Uncertain Significance. This variant has not been reported in the literature in individuals with COL11A1-related conditions. This variant is not present in population databases (ExAC no frequency). This sequence change replaces valine with isoleucine at codon 1271 of the COL11A1 protein (p.Val1271Ile). The valine residue is weakly conserved and there is a small physicochemical difference between valine and isoleucine.

NM_001854.4(COL11A1):c.3811G>A (p.Val1271Ile)

Gene: COL11A1 (collagen type XI alpha 1 chain; minus strand). Cytogenetic location: 1p21.1.
Variant type: single nucleotide variant.
Coding change: c.3811G>A on transcript NM_001854.4 (MANE Select); coding-DNA position 3811, G replaced by A.
Protein change: p.Val1271Ile; replaces valine 1271 with isoleucine.
Molecular consequence: missense variant. On other transcripts: non-coding transcript variant (1).
Genome position (GRCh38, 1-based): chr1:102,915,636, C>T on the plus strand (G>A on the coding strand, the complement: COL11A1 is on the minus strand). VCF-style: chr1-102915636-C-T. GRCh37 (hg19) VCF-style: chr1-103381192-C-T.
Other names: c.3694G>A, p.Val1232Ile (NM_001190709.2); c.3847G>A, p.Val1283Ile (NM_080629.3); c.3463G>A, p.Val1155Ile (NM_080630.4); short protein forms V1155I, V1283I, V1232I, V1271I.
Identifiers: ClinVar variation 1514791 (VCV001514791.8), dbSNP rs150669855, ClinGen allele CA341162106.